The following is an entry in ClinVar:

ClinVar aggregate classification (germline): Uncertain significance (1 of 4 stars; one submission).

Conditions:
Carnitine palmitoyltransferase II deficiency. Also called: Carnitine Palmitoyltransferase 2 Deficiency. Identifiers: Orphanet 157, MedGen C0342790, MONDO:0015515.

Submission:

Labcorp Genetics (formerly Invitae), Labcorp
Classification: Uncertain significance for Carnitine palmitoyltransferase II deficiency. Last evaluated: 2021-09-19. Review status: criteria provided, single submitter. Criteria: Invitae Variant Classification Sherloc (09022015). Collection method: clinical testing. Allele origin: germline.
Comment: This sequence change replaces proline with leucine at codon 284 of the CPT2 protein (p.Pro284Leu). The proline residue is moderately conserved and there is a moderate physicochemical difference between proline and leucine. This variant is not present in population databases (ExAC no frequency). This variant has not been reported in the literature in individuals affected with CPT2-related conditions. Advanced modeling of protein sequence and biophysical properties (such as structural, functional, and spatial information, amino acid conservation, physicochemical variation, residue mobility, and thermodynamic stability) performed at Invitae indicates that this missense variant is not expected to disrupt CPT2 protein function. In summary, the available evidence is currently insufficient to determine the role of this variant in disease. Therefore, it has been classified as a Variant of Uncertain Significance.

NM_000098.3(CPT2):c.851C>T (p.Pro284Leu)

Gene: CPT2 (carnitine palmitoyltransferase 2; plus strand). Cytogenetic location: 1p32.3.
Variant type: single nucleotide variant.
Coding change: c.851C>T on transcript NM_000098.3 (MANE Select); coding-DNA position 851, C replaced by T.
Protein change: p.Pro284Leu; replaces proline 284 with leucine.
Molecular consequence: missense variant.
Genome position (GRCh38, 1-based): chr1:53,210,525, C>T. VCF-style: chr1-53210525-C-T. GRCh37 (hg19) VCF-style: chr1-53676197-C-T.
Other names: c.851C>T, p.Pro284Leu (NM_001330589.2); short protein forms P284L.
Identifiers: ClinVar variation 1476459 (VCV001476459.3), dbSNP rs2100272880, ClinGen allele CA340393938.